The following is an entry in ClinVar:

ClinVar aggregate classification (germline): Conflicting classifications of pathogenicity. Review status: criteria provided, conflicting classifications (1 of 4 stars). 7 submissions from 4 submitters: Uncertain significance (4); Likely benign (2). 1 of the submissions does not count toward it. Last evaluated 2023-05-25.

Conditions:
NF1-related disorder. Also called: NF1-related condition. Identifiers: MedGen CN379171.
Hereditary cancer-predisposing syndrome. Also called: Tumor predisposition; Neoplastic Syndromes, Hereditary; Hereditary Cancer Syndrome; Hereditary neoplastic syndrome. Identifiers: Orphanet 140162, MedGen C0027672, MeSH D009386, MONDO:0015356.
Café-au-lait macules with pulmonary stenosis (WTSN). Also called: PULMONIC STENOSIS WITH CAFE-AU-LAIT SPOTS. Identifiers: MedGen C0553586, MONDO:0008672, OMIM 193520.
Neurofibromatosis, familial spinal (FSNF). Identifiers: Orphanet 636, MedGen C1834235, MONDO:0008078, OMIM 162210. Disease mechanism: loss of function.
Neurofibromatosis-Noonan syndrome (NFNS). Also called: NEUROFIBROMATOSIS WITH NOONAN PHENOTYPE. Identifiers: Orphanet 638, MedGen C2931482, MONDO:0011035, OMIM 601321. Disease mechanism: loss of function.
Neurofibromatosis, type 1 (NF1). Also called: VON RECKLINGHAUSEN DISEASE; NEUROFIBROMATOSIS, TYPE I, SOMATIC; Peripheral type neurofibromatosis; Neurofibromatosis, type I. Identifiers: Orphanet 636, MedGen C0027831, MONDO:0018975, OMIM 162200. Disease mechanism: loss of function.

Allele frequency attached by ClinVar (database versions not stated): ExAC 0.00004; gnomAD exomes 0.00006 and 0.00012; gnomAD 0.00007; TOPMed 0.00008.
gnomAD v4.1: 181 of 1,613,458 alleles (0.011%); highest among the groups gnomAD compares: Non-Finnish European, 0.015%; 1 homozygote.

Submissions (7):

Labcorp Genetics (formerly Invitae), Labcorp
Classification: Likely benign for Neurofibromatosis, type 1. Last evaluated: 2023-05-25. Review status: criteria provided, single submitter. Criteria: Invitae Variant Classification Sherloc (09022015). Collection method: clinical testing. Allele origin: germline.

Sema4
Classification: Likely benign for Hereditary cancer-predisposing syndrome. Last evaluated: 2021-04-08. Review status: criteria provided, single submitter. Criteria: Sema4 Curation Guidelines. Collection method: curation. Allele origin: germline.

Illumina Laboratory Services, Illumina
Classification: Uncertain significance for Neurofibromatosis-Noonan syndrome. Last evaluated: 2018-01-12. Review status: criteria provided, single submitter. Criteria: ICSL Variant Classification Criteria 13 December 2019. Collection method: clinical testing. Allele origin: germline.

Illumina Laboratory Services, Illumina
Classification: Uncertain significance for Café-au-lait macules with pulmonary stenosis. Last evaluated: 2018-01-12. Review status: criteria provided, single submitter. Criteria: ICSL Variant Classification Criteria 13 December 2019. Collection method: clinical testing. Allele origin: germline.

Illumina Laboratory Services, Illumina
Classification: Uncertain significance for Neurofibromatosis, type 1. Last evaluated: 2018-01-12. Review status: criteria provided, single submitter. Criteria: ICSL Variant Classification Criteria 13 December 2019. Collection method: clinical testing. Allele origin: germline.

Illumina Laboratory Services, Illumina
Classification: Uncertain significance for Neurofibromatosis, familial spinal. Last evaluated: 2018-01-12. Review status: criteria provided, single submitter. Criteria: ICSL Variant Classification Criteria 13 December 2019. Collection method: clinical testing. Allele origin: germline.

PreventionGenetics, part of Exact Sciences
Classification: Likely benign for NF1-related condition. Last evaluated: 2023-11-13. Review status: no assertion criteria provided. Collection method: clinical testing. Allele origin: germline. Not counted in ClinVar's aggregate classification.
Comment: This variant is classified as likely benign based on ACMG/AMP sequence variant interpretation guidelines (Richards et al. 2015 PMID: 25741868, with internal and published modifications).

NM_001042492.3(NF1):c.1392+6A>T

Gene: NF1 (neurofibromin 1; plus strand). Cytogenetic location: 17q11.2.
Variant type: single nucleotide variant.
Coding change: c.1392+6A>T on transcript NM_001042492.3 (MANE Select); 6 bases into the intron after coding-DNA position 1392, A replaced by T.
Molecular consequence: intron variant.
Genome position (GRCh38, 1-based): chr17:31,206,377, A>T. VCF-style: chr17-31206377-A-T. GRCh37 (hg19) VCF-style: chr17-29533395-A-T.
Other names: c.1392+6A>T (NM_001042492.2, NM_000267.4, NM_001128147.3).
Identifiers: ClinVar variation 890836 (VCV000890836.12), dbSNP rs200798969, ClinGen allele CA8485761.